The following is an entry in ClinVar:

ClinVar aggregate classification (germline): Pathogenic. Review status: criteria provided, multiple submitters, no conflicts (2 of 4 stars). 3 submissions from 3 submitters: Pathogenic (2). 1 of the submissions does not count toward it. Last evaluated 2024-11-11.

Conditions:
CDKL5 disorder. Identifiers: MedGen CN296942, MONDO:0100039.
Developmental and epileptic encephalopathy, 2 (DEE2). Also called: INFANTILE SPASM SYNDROME, X-LINKED 2; CDKL5 deficiency disorder. Identifiers: Orphanet 1934, Orphanet 3451, Orphanet 505652, MedGen C4750718, MONDO:0010396, OMIM 300672.
Angelman syndrome-like. Identifiers: MedGen CN128785.

Submissions (3):

Labcorp Genetics (formerly Invitae), Labcorp
Classification: Pathogenic for Developmental and epileptic encephalopathy, 2; Angelman syndrome-like. Last evaluated: 2024-11-11. Review status: criteria provided, single submitter. Criteria: Invitae Variant Classification Sherloc (09022015). Collection method: clinical testing. Allele origin: germline.
Comment: This sequence change replaces glycine, which is neutral and non-polar, with arginine, which is basic and polar, at codon 20 of the CDKL5 protein (p.Gly20Arg). This variant is not present in population databases (gnomAD no frequency). This missense change has been observed in individual(s) with CDKL5-related conditions (PMID: 20397747, 30776697). In at least one individual the variant was observed to be de novo. ClinVar contains an entry for this variant (Variation ID: 143828). Invitae Evidence Modeling of protein sequence and biophysical properties (such as structural, functional, and spatial information, amino acid conservation, physicochemical variation, residue mobility, and thermodynamic stability) indicates that this missense variant is expected to disrupt CDKL5 protein function with a positive predictive value of 95%. For these reasons, this variant has been classified as Pathogenic.

Centre for Population Genomics, CPG
Classification: Pathogenic for CDKL5 disorder. Last evaluated: 2024-08-21. Review status: criteria provided, single submitter. Criteria: McKnight et al. (Hum Mutat. 2022). Collection method: curation. Allele origin: germline. Inheritance: X-linked inheritance.
Comment: This variant has been collected from RettBASE and curated to current modified ACMG/AMP criteria. Based on the classification scheme defined by the ClinGen Rett/Angelman-like Expert Panel for Rett/AS-like Disorders Specifications to the ACMG/AMP Variant Interpretation Guidelines VCEP 3.0, this variant is classified as pathogenic. At least the following criteria are met: >=2 different missense variants in the same codon have been classified as pathogenic (PM5_Strong). Occurs in the well-characterized ATP binding region of CDKL5 (PM1). This variant has been identified as a de novo occurrence in an individual with CDKL5 disorder without confirmation of paternity and maternity (PM6). PMID 30776697 Has been observed in at least 2 individuals with phenotypes consistent with CDKL5 disorder (PS4_Supporting). (PMID: 20397747, 30776697, Variation ID: 143828) Computational prediction analysis tools suggests a deleterious impact (REVEL score>= 0.75) (PP3). At least one individual with this variant has been reported with a clinical phenotype consistent with CDKL5- related condition (PP4).PMID: 30776697 This variant is absent from gnomAD (PM2_Supporting).

RettBASE
Classification: Likely pathogenic for Epileptic encephalopathy, early infantile, 2. Last evaluated: 2014-03-13. Review status: no assertion criteria provided. Collection method: curation. Allele origin: de novo. Affected: yes. Observed: 1 variant allele. Not counted in ClinVar's aggregate classification.
Comment: In silico prediction: SIFT = deleterious, MutationTaster = disease-causing, PolyPhen2 = probably damaging, AlignGVGD = benign (C0)

Literature cited by the submitters: PubMed 20397747 (cited by Labcorp Genetics (formerly Invitae), Labcorp and RettBASE); PubMed 30776697 (cited by Labcorp Genetics (formerly Invitae), Labcorp).

NM_001323289.2(CDKL5):c.58G>C (p.Gly20Arg)

Gene: CDKL5 (cyclin dependent kinase like 5; plus strand). Cytogenetic location: Xp22.13.
Variant type: single nucleotide variant.
Coding change: c.58G>C on transcript NM_001323289.2 (MANE Select); coding-DNA position 58, G replaced by C.
Protein change: p.Gly20Arg; replaces glycine 20 with arginine.
Molecular consequence: missense variant.
Genome position (GRCh38, 1-based): chrX:18,507,154, G>C. VCF-style: chrX-18507154-G-C. GRCh37 (hg19) VCF-style: chrX-18525274-G-C.
Other names: NM_001323289.2(CDKL5):c.58G>C; p.Gly20Arg; c.58G>C, p.Gly20Arg (NM_001037343.2, NM_003159.3); short protein forms G20R.
Identifiers: ClinVar variation 143828 (VCV000143828.9), dbSNP rs267608418, ClinGen allele CA170496.